The following is an entry in ClinVar:

NM_006231.4(POLE):c.4525A>G (p.Arg1509Gly)

Gene: POLE (DNA polymerase epsilon, catalytic subunit; minus strand). Cytogenetic location: 12q24.33.
Variant type: single nucleotide variant.
Coding change: c.4525A>G on transcript NM_006231.4 (MANE Select); coding-DNA position 4525, A replaced by G.
Protein change: p.Arg1509Gly; replaces arginine 1509 with glycine.
Molecular consequence: missense variant.
Genome position (GRCh38, 1-based): chr12:132,643,250, T>C on the plus strand (A>G on the coding strand, the complement: POLE is on the minus strand). VCF-style: chr12-132643250-T-C. GRCh37 (hg19) VCF-style: chr12-133219836-T-C.
Other names: short protein forms R1509G.
Identifiers: ClinVar variation 405708 (VCV000405708.15), dbSNP rs1060500816, ClinGen allele CA16613849.

ClinVar aggregate classification (germline): Conflicting classifications of pathogenicity. Review status: criteria provided, conflicting classifications (1 of 4 stars). 3 submissions from 3 submitters: Uncertain significance (2); Likely benign (1). Last evaluated 2025-11-13.

Conditions:
Hereditary cancer-predisposing syndrome. Also called: Hereditary Cancer Syndrome; Hereditary neoplastic syndrome; Neoplastic Syndromes, Hereditary; Tumor predisposition. Identifiers: Orphanet 140162, MedGen C0027672, MeSH D009386, MONDO:0015356.

Allele frequency attached by ClinVar (database versions not stated): TOPMed 0.00001; gnomAD exomes 0.00005.
gnomAD v4.1: 66 of 1,613,814 alleles (0.0041%); highest among the groups gnomAD compares: Non-Finnish European, 0.0055%; no homozygotes.

Submissions (3):

Labcorp Genetics (formerly Invitae), Labcorp
Classification: Uncertain significance. Last evaluated: 2025-11-13. Review status: criteria provided, single submitter. Criteria: Invitae Variant Classification Sherloc (09022015). Collection method: clinical testing. Allele origin: germline.
Comment: This sequence change replaces arginine, which is basic and polar, with glycine, which is neutral and non-polar, at codon 1509 of the POLE protein (p.Arg1509Gly). This variant is not present in population databases (gnomAD no frequency). This variant has not been reported in the literature in individuals affected with POLE-related conditions. ClinVar contains an entry for this variant (Variation ID: 405708). Invitae Evidence Modeling of protein sequence and biophysical properties (such as structural, functional, and spatial information, amino acid conservation, physicochemical variation, residue mobility, and thermodynamic stability) indicates that this missense variant is not expected to disrupt POLE protein function with a negative predictive value of 80%. In summary, the available evidence is currently insufficient to determine the role of this variant in disease. Therefore, it has been classified as a Variant of Uncertain Significance.

Ambry Genetics
Classification: Likely benign for Hereditary cancer-predisposing syndrome. Last evaluated: 2025-02-27. Review status: criteria provided, single submitter. Criteria: Ambry Variant Classification Scheme 2023. Collection method: clinical testing. Allele origin: germline.

GeneDx
Classification: Uncertain significance. Last evaluated: 2018-11-28. Review status: criteria provided, single submitter. Criteria: GeneDx Variant Classification (06012015). Collection method: clinical testing. Allele origin: germline. Affected: yes.
Comment: This variant is denoted POLE c.4525A>G at the cDNA level, p.Arg1509Gly (R1509G) at the protein level, and results in the change of an Arginine to a Glycine (AGG>GGG). This variant has not, to our knowledge, been published in the literature as a pathogenic or benign germline variant. POLE Arg1509Gly was not observed in large population cohorts (Lek 2016). This variant is not located in a known functional domain. In silico analysis, which includes protein predictors and evolutionary conservation, supports a deleterious effect. Based on currently available evidence, it is unclear whether POLE Arg1509Gly is a pathogenic or benign variant. We consider it to be a variant of uncertain significance.